The following is an entry in ClinVar:

ClinVar aggregate classification (germline): Conflicting classifications of pathogenicity. Review status: criteria provided, conflicting classifications (1 of 4 stars). 5 submissions from 5 submitters: Uncertain significance (2); Benign (1); Likely benign (2). Last evaluated 2026-01-20.

Conditions:
Autoinflammatory syndrome. Identifiers: Orphanet 93665, MedGen C3890737, MONDO:0019751.
Majeed syndrome (MJDS). Also called: LPIN2-Related Majeed Syndrome; CHRONIC RECURRENT MULTIFOCAL OSTEOMYELITIS 1, WITH CONGENITAL DYSERYTHROPOIETIC ANEMIA, WITH OR WITHOUT NEUTROPHILIC DERMATOSIS. Identifiers: Orphanet 77297, MedGen C1864997, MONDO:0012316, OMIM 609628.

Allele frequency attached by ClinVar (database versions not stated): ExAC 0.00033; ESP Exome Variant Server 0.00038; 1000 Genomes Project 0.00040; gnomAD 0.00046 and 0.00047; 1000 Genomes Project 30x 0.00047; TOPMed 0.00049; gnomAD exomes 0.00083.
gnomAD v4.1: 1,264 of 1,587,842 alleles (0.08%); highest among the groups gnomAD compares: Non-Finnish European, 0.1%; 1 homozygote.

Submissions (5):

Labcorp Genetics (formerly Invitae), Labcorp
Classification: Likely benign for Majeed syndrome. Last evaluated: 2026-01-20. Review status: criteria provided, single submitter. Criteria: Invitae Variant Classification Sherloc (09022015). Collection method: clinical testing. Allele origin: germline.

Blueprint Genetics
Classification: Likely benign. Last evaluated: 2024-10-14. Review status: criteria provided, single submitter. Criteria: ACMG Guidelines, 2015. Collection method: clinical testing. Allele origin: germline.

Genome Diagnostics Laboratory, The Hospital for Sick Children
Classification: Uncertain significance for Autoinflammatory syndrome. Last evaluated: 2022-04-19. Review status: criteria provided, single submitter. Criteria: ACMG Guidelines, 2015. Collection method: clinical testing. Allele origin: germline. Affected: yes.

Illumina Laboratory Services, Illumina
Classification: Uncertain significance for Majeed syndrome. Last evaluated: 2018-01-12. Review status: criteria provided, single submitter. Criteria: ICSL Variant Classification Criteria 13 December 2019. Collection method: clinical testing. Allele origin: germline.

GeneDx
Classification: Benign. Last evaluated: 2013-08-05. Review status: criteria provided, single submitter. Criteria: GeneDx Variant Classification (06012015). Collection method: clinical testing. Allele origin: germline. Affected: yes.
Comment: This variant is considered likely benign or benign based on one or more of the following criteria: it is a conservative change, it occurs at a poorly conserved position in the protein, it is predicted to be benign by multiple in silico algorithms, and/or has population frequency not consistent with disease.

NM_001375808.2(LPIN2):c.2443-9C>T

Gene: LPIN2 (lipin 2; minus strand). Cytogenetic location: 18p11.31.
Variant type: single nucleotide variant.
Coding change: c.2443-9C>T on transcript NM_001375808.2 (MANE Select); 9 bases into the intron before coding-DNA position 2443, C replaced by T.
Molecular consequence: intron variant.
Genome position (GRCh38, 1-based): chr18:2,920,890, G>A on the plus strand (C>T on the coding strand, the complement: LPIN2 is on the minus strand). VCF-style: chr18-2920890-G-A. GRCh37 (hg19) VCF-style: chr18-2920888-G-A.
Other names: c.2443-9C>T (NM_014646.2, NM_001375809.1).
Identifiers: ClinVar variation 138137 (VCV000138137.19), dbSNP rs191749331, ClinGen allele CA291963.